The following is an entry in ClinVar:

NM_033026.6(PCLO):c.15112T>C (p.Tyr5038His)

Gene: PCLO (piccolo presynaptic cytomatrix protein; minus strand). Cytogenetic location: 7q21.11.
Variant type: single nucleotide variant.
Coding change: c.15112T>C on transcript NM_033026.6 (MANE Select); coding-DNA position 15112, T replaced by C.
Protein change: p.Tyr5038His; replaces tyrosine 5038 with histidine.
Molecular consequence: missense variant.
Genome position (GRCh38, 1-based): chr7:82,761,389, A>G on the plus strand (T>C on the coding strand, the complement: PCLO is on the minus strand). VCF-style: chr7-82761389-A-G. GRCh37 (hg19) VCF-style: chr7-82390705-A-G.
Other names: short protein forms Y5038H.
Identifiers: ClinVar variation 2632993 (VCV002632993.1), dbSNP rs1455061005, ClinGen allele CA368019977.

ClinVar aggregate classification (germline): Uncertain significance (1 of 4 stars; one submission).

Conditions:
PCLO-related disorder. Also called: PCLO-related condition.

Allele frequency attached by ClinVar (database versions not stated): gnomAD exomes below 0.00001.
gnomAD v4.1: 1 of 1,517,608 alleles (0.000066%); highest among the groups gnomAD compares: Non-Finnish European, 0.00009%; no homozygotes.

Submission:

PreventionGenetics, part of Exact Sciences
Classification: Uncertain significance for PCLO-related condition. Last evaluated: 2023-05-04. Review status: criteria provided, single submitter. Criteria: ACMG Guidelines, 2015. Collection method: clinical testing. Allele origin: germline.
Comment: The PCLO c.15112T>C variant is predicted to result in the amino acid substitution p.Tyr5038His. To our knowledge, this variant has not been reported in the literature or in a large population database, indicating this variant is rare. At this time, the clinical significance of this variant is uncertain due to the absence of conclusive functional and genetic evidence.